The following is an entry in ClinVar:

ClinVar aggregate classification (germline): Pathogenic. Review status: criteria provided, multiple submitters, no conflicts (2 of 4 stars). 3 submissions from 3 submitters: Pathogenic (3). Last evaluated 2025-07-01.

Conditions:
Neurofibromatosis, type 1 (NF1). Also called: VON RECKLINGHAUSEN DISEASE; NEUROFIBROMATOSIS, TYPE I, SOMATIC; Peripheral type neurofibromatosis; Neurofibromatosis, type I. Identifiers: Orphanet 636, MedGen C0027831, MONDO:0018975, OMIM 162200. Disease mechanism: loss of function.

Submissions (3):

NHS Central & South Genomic Laboratory Hub
Classification: Pathogenic for Neurofibromatosis type 1. Last evaluated: 2025-07-01. Review status: criteria provided, single submitter. Criteria: ACMG Guidelines, 2015. Collection method: clinical testing. Allele origin: germline. Affected: yes.

Labcorp Genetics (formerly Invitae), Labcorp
Classification: Pathogenic for Neurofibromatosis, type 1. Last evaluated: 2017-08-06. Review status: criteria provided, single submitter. Criteria: Invitae Variant Classification Sherloc (09022015). Collection method: clinical testing. Allele origin: germline.
Comment: For these reasons, this variant has been classified as Pathogenic. Loss-of-function variants in NF1 are known to be pathogenic (PMID: 10712197, 23913538). This variant has not been reported in the literature in individuals with NF1-related disease. This variant is not present in population databases (ExAC no frequency). This sequence change creates a premature translational stop signal (p.Glu688*) in the NF1 gene. It is expected to result in an absent or disrupted protein product.

Juno Genomics, Hangzhou Juno Genomics, Inc
Classification: Pathogenic for Neurofibromatosis, type 1. Review status: criteria provided, single submitter. Criteria: ACMG Guidelines, 2015. Collection method: clinical testing. Allele origin: germline. Affected: yes.
Comment: Absent from controls (or at extremely low frequency if recessive) in Genome Aggregation Database, Exome Sequencing Project, 1000 Genomes Project, or Exome Aggregation Consortium.;The prevalence of the variant in affected individuals is significantly increased compared to the prevalence in controls.;De novo (both maternity and paternity confirmed) in a patient with the disease and no family history.;Null variant in a gene where loss of function (LOF) is a known mechanism of disease.

Literature cited by the submitters: PubMed 10712197 (cited by Labcorp Genetics (formerly Invitae), Labcorp); PubMed 23913538 (cited by Labcorp Genetics (formerly Invitae), Labcorp).

NM_001042492.3(NF1):c.2062G>T (p.Glu688Ter)

Gene: NF1 (neurofibromin 1; plus strand). Cytogenetic location: 17q11.2.
Variant type: single nucleotide variant.
Coding change: c.2062G>T on transcript NM_001042492.3 (MANE Select); coding-DNA position 2062, G replaced by T.
Protein change: p.Glu688Ter; replaces glutamic acid 688 with a stop codon.
Molecular consequence: nonsense.
Genome position (GRCh38, 1-based): chr17:31,226,495, G>T. VCF-style: chr17-31226495-G-T. GRCh37 (hg19) VCF-style: chr17-29553513-G-T.
Other names: c.2062G>T, p.Glu688Ter (NM_000267.4); short protein forms E688*.
Identifiers: ClinVar variation 527588 (VCV000527588.4), dbSNP rs1555613784, ClinGen allele CA398982133.